The following is an entry in ClinVar:

NM_002025.4(AFF2):c.3764G>A (p.Arg1255Gln)

Gene: AFF2 (ALF transcription elongation factor 2; plus strand). Cytogenetic location: Xq28.
Variant type: single nucleotide variant.
Coding change: c.3764G>A on transcript NM_002025.4 (MANE Select); coding-DNA position 3764, G replaced by A.
Protein change: p.Arg1255Gln; replaces arginine 1255 with glutamine.
Molecular consequence: missense variant.
Genome position (GRCh38, 1-based): chrX:148,987,507, G>A. VCF-style: chrX-148987507-G-A. GRCh37 (hg19) VCF-style: chrX-148069037-G-A.
Other names: c.3659G>A, p.Arg1220Gln (NM_001169122.2, NM_001169124.2); c.3734G>A, p.Arg1245Gln (NM_001169123.2); c.3647G>A, p.Arg1216Gln (NM_001169125.2); c.2687G>A, p.Arg896Gln (NM_001170628.1); short protein forms R1216Q, R1220Q, R1245Q, R1255Q, R896Q.
Identifiers: ClinVar variation 4280595 (VCV004280595.1).

ClinVar aggregate classification (germline): Uncertain significance (1 of 4 stars; one submission).

Conditions:
FRAXE. Also called: Fragile XE syndrome; FRAXE Syndrome; FRAXE intellectual disability; Intellectual developmental disorder, X-linked 109; Intellectual disability, X-linked, FRAXE type. Identifiers: Orphanet 100973, MedGen C0751157, MONDO:0010659, OMIM 309548. Disease mechanism: loss of function.

gnomAD v4.1: 2 of 1,211,555 alleles (0.00017%); no homozygotes.

Submission:

Applied Translational Genetics Group, University of Auckland
Classification: Uncertain significance for FRAXE. Last evaluated: 2025-10-08. Review status: criteria provided, single submitter. Criteria: ACMG Guidelines, 2015. Collection method: research. Allele origin: maternal. Inheritance: X-linked recessive inheritance. Affected: yes. Observed: 1 hemizygote.
Comment: NM_002025.4:c.3764G>A is a missense mutation in the gene AFF2 that results in the substitution of arginine for glutamine at position 1255, both polar medium-large amino acids. Triplet repeat expansions within AFF2 and deletions encompassing the gene are associated with the X-linked reccive condition Intellectual developmental disorder, X-linked 109 (OMIM: 309548), however, missense variants have yet to be reported. In silico aggregation prediction from Revel classifies the variant as Uncertain (0.34). The variant is absent in the gnomAD population database, as would be expected for a rare genetic condition such as this (PM2). In summary, this variant meets criteria to be classified as as a variant of unknown significance for Intellectual developmental disorder, X-linked 109 based on the ACMG/AMP criteria applied: PM2

Literature cited by the submitters: PubMed 40756852.